The following is an entry in ClinVar:

NM_000059.4(BRCA2):c.8177A>T (p.Tyr2726Phe)

Gene: BRCA2 (BRCA2 DNA repair associated; plus strand). Cytogenetic location: 13q13.1.
Variant type: single nucleotide variant.
Coding change: c.8177A>T on transcript NM_000059.4 (MANE Select); coding-DNA position 8177, A replaced by T.
Protein change: p.Tyr2726Phe; replaces tyrosine 2726 with phenylalanine.
Molecular consequence: missense variant.
Genome position (GRCh38, 1-based): chr13:32,363,379, A>T. VCF-style: chr13-32363379-A-T. GRCh37 (hg19) VCF-style: chr13-32937516-A-T.
Other names: c.8081A>T, p.Tyr2694Phe (NM_001406719.1); c.8177A>T, p.Tyr2726Phe (NM_001406720.1); c.3245A>T, p.Tyr1082Phe (NM_001406721.1); c.1760A>T, p.Tyr587Phe (NM_001406722.1); short protein forms Y2694F, Y1082F, Y2726F, Y587F.
Identifiers: ClinVar variation 1762295 (VCV001762295.2), dbSNP rs80359064, ClinGen allele CA387749633.

ClinVar aggregate classification (germline): Uncertain significance (1 of 4 stars; one submission).

Conditions:
Hereditary cancer-predisposing syndrome. Also called: Neoplastic Syndromes, Hereditary; Tumor predisposition; Hereditary Cancer Syndrome; Hereditary neoplastic syndrome. Identifiers: Orphanet 140162, MedGen C0027672, MeSH D009386, MONDO:0015356.

Submission:

Ambry Genetics
Classification: Uncertain significance for Hereditary cancer-predisposing syndrome. Last evaluated: 2019-09-25. Review status: criteria provided, single submitter. Criteria: Ambry Variant Classification Scheme 2023. Collection method: clinical testing. Allele origin: germline.
Comment: The p.Y2726F variant (also known as c.8177A>T), located in coding exon 17 of the BRCA2 gene, results from an A to T substitution at nucleotide position 8177. The tyrosine at codon 2726 is replaced by phenylalanine, an amino acid with highly similar properties. This alteration was identified in a cohort of 912 epithelial ovarian cancer patients (Cunningham JM et al. Sci Rep, 2014 Feb;4:4026). This amino acid position is highly conserved in available vertebrate species. In addition, this alteration is predicted to be deleterious by in silico analysis. Since supporting evidence is limited at this time, the clinical significance of this alteration remains unclear.

Literature cited by the submitters: PubMed 24504028.